The following is an entry in ClinVar:

NM_032242.4(PLXNA1):c.5231+3A>G

Gene: PLXNA1 (plexin A1; plus strand). Cytogenetic location: 3q21.3.
Variant type: single nucleotide variant.
Coding change: c.5231+3A>G on transcript NM_032242.4 (MANE Select); 3 bases into the intron after coding-DNA position 5231, A replaced by G.
Molecular consequence: intron variant.
Genome position (GRCh38, 1-based): chr3:127,030,415, A>G. VCF-style: chr3-127030415-A-G. GRCh37 (hg19) VCF-style: chr3-126749258-A-G.
Identifiers: ClinVar variation 2635681 (VCV002635681.1), dbSNP rs777476595, ClinGen allele CA2594642.

ClinVar aggregate classification (germline): Uncertain significance (1 of 4 stars; one submission).

Conditions:
PLXNA1-related disorder. Also called: PLXNA1-related condition.

Allele frequency attached by ClinVar (database versions not stated): gnomAD 0.00001; gnomAD exomes 0.00001; TOPMed 0.00002; ExAC 0.00009.
gnomAD v4.1: 21 of 1,613,550 alleles (0.0013%); highest among the groups gnomAD compares: East Asian, 0.04%; no homozygotes.

Submission:

PreventionGenetics, part of Exact Sciences
Classification: Uncertain significance for PLXNA1-related condition. Last evaluated: 2023-06-22. Review status: criteria provided, single submitter. Criteria: ACMG Guidelines, 2015. Collection method: clinical testing. Allele origin: germline.
Comment: The PLXNA1 c.5231+3A>G variant is predicted to interfere with splicing. To our knowledge, this variant has not been reported in the literature. This variant is reported in 0.14% of alleles in individuals of East Asian descent in gnomAD. Although we suspect that this variant may be benign, at this time, the clinical significance of this variant is uncertain due to the absence of conclusive functional and genetic evidence.